The following is an entry in ClinVar:

ClinVar aggregate classification (germline): Likely benign (1 of 4 stars; one submission).

Submission:

CeGaT Center for Human Genetics Tuebingen
Classification: Likely benign. Last evaluated: 2025-05-01. Review status: criteria provided, single submitter. Criteria: CeGaT Center For Human Genetics Tuebingen Variant Classification Criteria Version 2. Collection method: clinical testing. Allele origin: germline. Affected: yes. Observed: 1 variant allele.
Comment: TPSB2: BP4, BP7

NM_024164.6(TPSB2):c.72G>A (p.Gln24=)

Gene: TPSB2 (tryptase beta 2; minus strand). Cytogenetic location: 16p13.3.
Variant type: single nucleotide variant.
Coding change: c.72G>A on transcript NM_024164.6 (MANE Select); coding-DNA position 72, G replaced by A.
Protein change: p.Gln24=; no amino-acid change (glutamine 24 retained).
Molecular consequence: synonymous variant.
Genome position (GRCh38, 1-based): chr16:1,229,727, C>T on the plus strand (G>A on the coding strand, the complement: TPSB2 is on the minus strand). VCF-style: chr16-1229727-C-T. GRCh37 (hg19) VCF-style: chr16-1279728-C-T.
Identifiers: ClinVar variation 3906026 (VCV003906026.10).